The following is an entry in ClinVar:

ClinVar aggregate classification (germline): Uncertain significance. Review status: criteria provided, multiple submitters, no conflicts (2 of 4 stars). 2 submissions from 2 submitters: Uncertain significance (2). Last evaluated 2025-09-11.

Conditions:
Ehlers-Danlos syndrome, spondylodysplastic type, 3. Also called: Ehlers-Danlos syndrome, spondylocheirodysplastic type. Identifiers: Orphanet 157965, MedGen C2676510, MONDO:0012873, OMIM 612350.
Inborn genetic diseases. Identifiers: MedGen C0950123, MeSH D030342.

gnomAD v4.1: 4 of 1,612,760 alleles (0.00025%); highest among the groups gnomAD compares: Non-Finnish European, 0.00034%; no homozygotes.

Submissions (2):

Ambry Genetics
Classification: Uncertain significance for Inborn genetic diseases. Last evaluated: 2025-09-11. Review status: criteria provided, single submitter. Criteria: Ambry Variant Classification Scheme 2023. Collection method: clinical testing. Allele origin: germline.

Labcorp Genetics (formerly Invitae), Labcorp
Classification: Uncertain significance for Ehlers-Danlos syndrome, spondylodysplastic type, 3. Last evaluated: 2022-03-22. Review status: criteria provided, single submitter. Criteria: Invitae Variant Classification Sherloc (09022015). Collection method: clinical testing. Allele origin: germline.
Comment: In summary, the available evidence is currently insufficient to determine the role of this variant in disease. Therefore, it has been classified as a Variant of Uncertain Significance. Algorithms developed to predict the effect of missense changes on protein structure and function (SIFT, PolyPhen-2, Align-GVGD) all suggest that this variant is likely to be tolerated. This variant has not been reported in the literature in individuals affected with SLC39A13-related conditions. This variant is not present in population databases (gnomAD no frequency). This sequence change replaces alanine, which is neutral and non-polar, with valine, which is neutral and non-polar, at codon 101 of the SLC39A13 protein (p.Ala101Val).

NM_001128225.3(SLC39A13):c.302C>T (p.Ala101Val)

Gene: SLC39A13 (solute carrier family 39 member 13; plus strand). Cytogenetic location: 11p11.2.
Variant type: single nucleotide variant.
Coding change: c.302C>T on transcript NM_001128225.3 (MANE Select); coding-DNA position 302, C replaced by T.
Protein change: p.Ala101Val; replaces alanine 101 with valine.
Molecular consequence: missense variant. On other transcripts: non-coding transcript variant (1).
Genome position (GRCh38, 1-based): chr11:47,411,926, C>T. VCF-style: chr11-47411926-C-T. GRCh37 (hg19) VCF-style: chr11-47433477-C-T.
Other names: c.302C>T, p.Ala101Val (NM_001330245.2, NM_152264.5); c.302C>T (NM_152264.4); short protein forms A101V.
Identifiers: ClinVar variation 1371222 (VCV001371222.5), dbSNP rs2153295514, ClinGen allele CA380309790.